The following is an entry in ClinVar:

ClinVar aggregate classification (germline): Likely benign (1 of 4 stars; one submission).

Submission:

CeGaT Center for Human Genetics Tuebingen
Classification: Likely benign. Last evaluated: 2026-04-01. Review status: criteria provided, single submitter. Criteria: CeGaT Center For Human Genetics Tuebingen Variant Classification Criteria Version 2. Collection method: clinical testing. Allele origin: germline. Affected: yes. Observed: 1 variant allele.
Comment: MED23: BP4, BP7

NM_004830.4(MED23):c.2355C>T (p.Ser785=)

Gene: MED23 (mediator complex subunit 23; minus strand). Cytogenetic location: 6q23.2.
Variant type: single nucleotide variant.
Coding change: c.2355C>T on transcript NM_004830.4 (MANE Select); coding-DNA position 2355, C replaced by T.
Protein change: p.Ser785=; no amino-acid change (serine 785 retained).
Molecular consequence: synonymous variant. On other transcripts: intron variant (1).
Genome position (GRCh38, 1-based): chr6:131,598,627, G>A on the plus strand (C>T on the coding strand, the complement: MED23 is on the minus strand). VCF-style: chr6-131598627-G-A. GRCh37 (hg19) VCF-style: chr6-131919767-G-A.
Other names: c.2355C>T, p.Ser785= (NM_001270521.2, NM_001270522.2, NM_001376519.1 and 2 more transcripts); c.2373C>T, p.Ser791= (NM_001376517.1, NM_015979.4); c.2301C>T, p.Ser767= (NM_001376518.1); c.2214C>T, p.Ser738= (NM_001376520.1); c.2100C>T, p.Ser700= (NM_001376523.1); c.2220+1411C>T (NM_001376524.1).
Identifiers: ClinVar variation 4874676 (VCV004874676.2).